The following is an entry in ClinVar:

ClinVar aggregate classification (germline): Likely pathogenic (1 of 4 stars; one submission).

Conditions:
Legius syndrome. Identifiers: Orphanet 137605, MedGen C1969623, MONDO:0012669, OMIM 611431. Disease mechanism: loss of function.

Submission:

Labcorp Genetics (formerly Invitae), Labcorp
Classification: Likely pathogenic for Legius syndrome. Last evaluated: 2022-10-12. Review status: criteria provided, single submitter. Criteria: Invitae Variant Classification Sherloc (09022015). Collection method: clinical testing. Allele origin: germline.
Comment: In summary, the currently available evidence indicates that the variant is pathogenic, but additional data are needed to prove that conclusively. Therefore, this variant has been classified as Likely Pathogenic. Algorithms developed to predict the effect of sequence changes on RNA splicing suggest that this variant may disrupt the consensus splice site. ClinVar contains an entry for this variant (Variation ID: 1510307). This variant has not been reported in the literature in individuals affected with SPRED1-related conditions. This variant is not present in population databases (gnomAD no frequency). This sequence change affects a donor splice site in intron 1 of the SPRED1 gene. It is expected to disrupt RNA splicing. Variants that disrupt the donor or acceptor splice site typically lead to a loss of protein function (PMID: 16199547), and loss-of-function variants in SPRED1 are known to be pathogenic (PMID: 17704776).

Literature cited by the submitters: PubMed 16199547; PubMed 17704776.

NM_152594.3(SPRED1):c.32+2T>G

Gene: SPRED1 (sprouty related EVH1 domain containing 1; plus strand). Cytogenetic location: 15q14.
Variant type: single nucleotide variant.
Coding change: c.32+2T>G on transcript NM_152594.3 (MANE Select); the canonical splice donor site of the intron after coding-DNA position 32, T replaced by G.
Molecular consequence: splice donor variant.
Genome position (GRCh38, 1-based): chr15:38,253,219, T>G. VCF-style: chr15-38253219-T-G. GRCh37 (hg19) VCF-style: chr15-38545420-T-G.
Identifiers: ClinVar variation 1510307 (VCV001510307.6), dbSNP rs2140943462, ClinGen allele CA391931865.
Genomic context (GRCh38, chr15:38,253,219, plus strand): 5'-TCCAGATCGGATCACGGTGAGGGAAAGATGAGCGAGGAGACGGCGACTTCTGACAACGAG[T>G]AAGCGCCTCATTGATCTCGATTGCTAATCCCCCTCCCCCTATCCGCCCTCGGCTCTCCCC-3'